The following is an entry in ClinVar:

NM_175875.5(SIX5):c.1175A>T (p.Glu392Val)

Gene: SIX5 (SIX homeobox 5; minus strand). Cytogenetic location: 19q13.32.
Variant type: single nucleotide variant.
Coding change: c.1175A>T on transcript NM_175875.5 (MANE Select); coding-DNA position 1175, A replaced by T.
Protein change: p.Glu392Val; replaces glutamic acid 392 with valine.
Molecular consequence: missense variant.
Genome position (GRCh38, 1-based): chr19:45,766,784, T>A on the plus strand (A>T on the coding strand, the complement: SIX5 is on the minus strand). VCF-style: chr19-45766784-T-A. GRCh37 (hg19) VCF-style: chr19-46270042-T-A.
Other names: short protein forms E392V.
Identifiers: ClinVar variation 1924313 (VCV001924313.5), dbSNP rs868798997, ClinGen allele CA309000927.
Genomic context (GRCh38, chr19:45,766,784, plus strand): 5'-GCAGCCACCTGGGCCCCTTTGGTCTCAGGGGCCTCCGACTGAGCCTCCTCCAGCCGCACC[T>A]CCCCTGTCTGAGGGTCCAGGACCAGAGAGGTCTTGGTCTCGCTGGCCCCCTGAGGGCTGG-3'
Protein context (NP_787071.3, residues 382-402): TSLVLDPQTG[Glu392Val]VRLEEAQSEA

ClinVar aggregate classification (germline): Uncertain significance (1 of 4 stars; one submission).

Allele frequency attached by ClinVar (database versions not stated): TOPMed 0.00001; gnomAD exomes 0.00002.
gnomAD v4.1: 21 of 1,578,468 alleles (0.0013%); highest among the groups gnomAD compares: Non-Finnish European, 0.0018%; no homozygotes.

Submission:

Labcorp Genetics (formerly Invitae), Labcorp
Classification: Uncertain significance. Last evaluated: 2021-12-02. Review status: criteria provided, single submitter. Criteria: Invitae Variant Classification Sherloc (09022015). Collection method: clinical testing. Allele origin: germline.
Comment: This sequence change replaces glutamic acid, which is acidic and polar, with valine, which is neutral and non-polar, at codon 392 of the SIX5 protein (p.Glu392Val). This variant is present in population databases (no rsID available, gnomAD 0.007%). This variant has not been reported in the literature in individuals affected with SIX5-related conditions. Algorithms developed to predict the effect of missense changes on protein structure and function are either unavailable or do not agree on the potential impact of this missense change (SIFT: "Deleterious"; PolyPhen-2: "Possibly Damaging"; Align-GVGD: "Class C0"). In summary, the available evidence is currently insufficient to determine the role of this variant in disease. Therefore, it has been classified as a Variant of Uncertain Significance.